The following is an entry in ClinVar:

NM_005612.5(REST):c.1246C>A (p.Pro416Thr)

Gene: REST (RE1 silencing transcription factor; plus strand). Cytogenetic location: 4q12.
Variant type: single nucleotide variant.
Coding change: c.1246C>A on transcript NM_005612.5 (MANE Select); coding-DNA position 1246, C replaced by A.
Protein change: p.Pro416Thr; replaces proline 416 with threonine.
Molecular consequence: missense variant.
Genome position (GRCh38, 1-based): chr4:56,930,104, C>A. VCF-style: chr4-56930104-C-A. GRCh37 (hg19) VCF-style: chr4-57796270-C-A.
Other names: c.1246C>A, p.Pro416Thr (NM_001193508.2, NM_001363453.3); short protein forms P416T.
Identifiers: ClinVar variation 3621089 (VCV003621089.4).

ClinVar aggregate classification (germline): Uncertain significance. Review status: criteria provided, multiple submitters, no conflicts (2 of 4 stars). 2 submissions from 2 submitters: Uncertain significance (2). Last evaluated 2026-04-01.

Submissions (2):

CeGaT Center for Human Genetics Tuebingen
Classification: Uncertain significance. Last evaluated: 2026-04-01. Review status: criteria provided, single submitter. Criteria: CeGaT Center For Human Genetics Tuebingen Variant Classification Criteria Version 2. Collection method: clinical testing. Allele origin: germline. Affected: yes. Observed: 1 variant allele.
Comment: REST: PM2, BP4

Labcorp Genetics (formerly Invitae), Labcorp
Classification: Uncertain significance. Last evaluated: 2024-10-10. Review status: criteria provided, single submitter. Criteria: Invitae Variant Classification Sherloc (09022015). Collection method: clinical testing. Allele origin: germline.
Comment: This sequence change replaces proline, which is neutral and non-polar, with threonine, which is neutral and polar, at codon 416 of the REST protein (p.Pro416Thr). This variant is present in population databases (no rsID available, gnomAD 0.009%). This variant has not been reported in the literature in individuals affected with REST-related conditions. An algorithm developed to predict the effect of missense changes on protein structure and function (PolyPhen-2) suggests that this variant is likely to be tolerated. In summary, the available evidence is currently insufficient to determine the role of this variant in disease. Therefore, it has been classified as a Variant of Uncertain Significance.